The following is an entry in ClinVar:

NM_203487.3(PCDH9):c.2374A>G (p.Met792Val)

Gene: PCDH9 (protocadherin 9; minus strand). Cytogenetic location: 13q21.32.
Variant type: single nucleotide variant.
Coding change: c.2374A>G on transcript NM_203487.3 (MANE Select); coding-DNA position 2374, A replaced by G.
Protein change: p.Met792Val; replaces methionine 792 with valine.
Molecular consequence: missense variant.
Genome position (GRCh38, 1-based): chr13:67,226,067, T>C on the plus strand (A>G on the coding strand, the complement: PCDH9 is on the minus strand). VCF-style: chr13-67226067-T-C. GRCh37 (hg19) VCF-style: chr13-67800199-T-C.
Other names: c.2374A>G, p.Met792Val (NM_001318372.2, NM_001318373.2, NM_001318374.2 and 1 more transcripts); short protein forms M792V.
Identifiers: ClinVar variation 2631154 (VCV002631154.1), dbSNP rs555154692, ClinGen allele CA251080332.

ClinVar aggregate classification (germline): Uncertain significance (1 of 4 stars; one submission).

Conditions:
PCDH9-related disorder. Also called: PCDH9-related condition.

Allele frequency attached by ClinVar (database versions not stated): gnomAD 0.00001; 1000 Genomes Project 30x 0.00016; 1000 Genomes Project 0.00020.
gnomAD v4.1: 1 of 1,614,112 alleles (0.000062%); highest among the groups gnomAD compares: Admixed American, 0.0017%; no homozygotes.

Submission:

PreventionGenetics, part of Exact Sciences
Classification: Uncertain significance for PCDH9-related condition. Last evaluated: 2023-09-26. Review status: criteria provided, single submitter. Criteria: ACMG Guidelines, 2015. Collection method: clinical testing. Allele origin: germline.
Comment: The PCDH9 c.2374A>G variant is predicted to result in the amino acid substitution p.Met792Val. To our knowledge, this variant has not been reported in the literature or in a large population database, indicating this variant is rare. At this time, the clinical significance of this variant is uncertain due to the absence of conclusive functional and genetic evidence.